The following is an entry in ClinVar:

ClinVar aggregate classification (germline): Conflicting classifications of pathogenicity. Review status: criteria provided, conflicting classifications (1 of 4 stars). 2 submissions from 2 submitters: Uncertain significance (1); Likely benign (1). Last evaluated 2024-05-15.

Conditions:
Pyridoxine-dependent epilepsy (EPEO4). Also called: Pyridoxine-Dependent Seizures; Pyridoxine-Dependent Epilepsy - ALDH7A1; PYRIDOXINE DEPENDENCY WITH SEIZURES; EPILEPSY, EARLY-ONSET, 4, VITAMIN B6-DEPENDENT. Identifiers: Orphanet 3006, MedGen C1849508, MONDO:0009945, OMIM 266100. Disease mechanism: loss of function.

Allele frequency attached by ClinVar (database versions not stated): gnomAD 0.00001.
gnomAD v4.1: 3 of 1,553,042 alleles (0.00019%); highest among the groups gnomAD compares: Middle Eastern, 0.033%; no homozygotes.

Submissions (2):

Labcorp Genetics (formerly Invitae), Labcorp
Classification: Uncertain significance for Pyridoxine-dependent epilepsy. Last evaluated: 2024-05-15. Review status: criteria provided, single submitter. Criteria: Invitae Variant Classification Sherloc (09022015). Collection method: clinical testing. Allele origin: germline.
Comment: This sequence change replaces leucine, which is neutral and non-polar, with proline, which is neutral and non-polar, at codon 8 of the ALDH7A1 protein (p.Leu8Pro). This variant is not present in population databases (gnomAD no frequency). This variant has not been reported in the literature in individuals affected with ALDH7A1-related conditions. ClinVar contains an entry for this variant (Variation ID: 204826). Advanced modeling of protein sequence and biophysical properties (such as structural, functional, and spatial information, amino acid conservation, physicochemical variation, residue mobility, and thermodynamic stability) performed at Invitae indicates that this missense variant is expected to disrupt ALDH7A1 protein function with a positive predictive value of 95%. In summary, the available evidence is currently insufficient to determine the role of this variant in disease. Therefore, it has been classified as a Variant of Uncertain Significance.

GeneDx
Classification: Likely benign. Last evaluated: 2012-11-27. Review status: criteria provided, single submitter. Criteria: GeneDx Variant Classification (06012015). Collection method: clinical testing. Allele origin: germline. Affected: yes.
Comment: This variant is considered likely benign or benign based on one or more of the following criteria: it is a conservative change, it occurs at a poorly conserved position in the protein, it is predicted to be benign by multiple in silico algorithms, and/or has population frequency not consistent with disease.

NM_001182.5(ALDH7A1):c.23T>C (p.Leu8Pro)

Gene: ALDH7A1 (aldehyde dehydrogenase 7 family member A1; minus strand). Cytogenetic location: 5q23.2.
Variant type: single nucleotide variant.
Coding change: c.23T>C on transcript NM_001182.5 (MANE Select); coding-DNA position 23, T replaced by C.
Protein change: p.Leu8Pro; replaces leucine 8 with proline.
Molecular consequence: missense variant. On other transcripts: 5 prime UTR variant (1).
Genome position (GRCh38, 1-based): chr5:126,595,176, A>G on the plus strand (T>C on the coding strand, the complement: ALDH7A1 is on the minus strand). VCF-style: chr5-126595176-A-G. GRCh37 (hg19) VCF-style: chr5-125930868-A-G.
Other names: p.L8P:CTG>CCG; c.-62T>C (NM_001201377.2); c.23T>C, p.Leu8Pro (NM_001202404.2); short protein forms L8P.
Identifiers: ClinVar variation 204826 (VCV000204826.5), dbSNP rs796052255, ClinGen allele CA313160.